The following is an entry in ClinVar:

ClinVar aggregate classification (germline): Likely benign. Review status: criteria provided, multiple submitters, no conflicts (2 of 4 stars). 3 submissions from 3 submitters: Likely benign (2). 1 of the submissions does not count toward it. Last evaluated 2025-04-28.

Conditions:
BCL11B-related disorder. Also called: BCL11B-Related Disorders.

Allele frequency attached by ClinVar (database versions not stated): gnomAD 0.00003 and 0.00004; gnomAD exomes 0.00003 and 0.00004; TOPMed 0.00003; ExAC 0.00005.
gnomAD v4.1: 75 of 1,610,568 alleles (0.0047%); highest among the groups gnomAD compares: Admixed American, 0.0083%; no homozygotes.

Submissions (3):

Labcorp Genetics (formerly Invitae), Labcorp
Classification: Likely benign. Last evaluated: 2025-04-28. Review status: criteria provided, single submitter. Criteria: Invitae Variant Classification Sherloc (09022015). Collection method: clinical testing. Allele origin: germline.

Laboratory of Genetics, Children's Clinical University Hospital Latvia
Classification: Likely benign. Last evaluated: 2025-02-16. Review status: criteria provided, single submitter. Criteria: ACMG Guidelines, 2015. Collection method: clinical testing. Allele origin: germline. Affected: yes.

PreventionGenetics, part of Exact Sciences
Classification: Likely benign for BCL11B-related condition. Last evaluated: 2024-08-27. Review status: no assertion criteria provided. Collection method: clinical testing. Allele origin: germline. Not counted in ClinVar's aggregate classification.
Comment: This variant is classified as likely benign based on ACMG/AMP sequence variant interpretation guidelines (Richards et al. 2015 PMID: 25741868, with internal and published modifications).

NM_138576.4(BCL11B):c.392C>T (p.Thr131Met)

Gene: BCL11B (BCL11 transcription factor B; minus strand). Cytogenetic location: 14q32.2.
Variant type: single nucleotide variant.
Coding change: c.392C>T on transcript NM_138576.4 (MANE Select); coding-DNA position 392, C replaced by T.
Protein change: p.Thr131Met; replaces threonine 131 with methionine.
Molecular consequence: missense variant.
Genome position (GRCh38, 1-based): chr14:99,257,506, G>A on the plus strand (C>T on the coding strand, the complement: BCL11B is on the minus strand). VCF-style: chr14-99257506-G-A. GRCh37 (hg19) VCF-style: chr14-99723843-G-A.
Other names: c.389C>T, p.Thr130Met (NM_001282237.2, NM_001282238.2); c.392C>T, p.Thr131Met (NM_022898.3); c.392C>T (NM_022898.2); short protein forms T131M, T130M.
Identifiers: ClinVar variation 1390289 (VCV001390289.10), dbSNP rs766576104, ClinGen allele CA7339900.